The following is an entry in ClinVar:

ClinVar aggregate classification (germline): Uncertain significance (1 of 4 stars; one submission).

Conditions:
Autosomal dominant nocturnal frontal lobe epilepsy 5. Also called: Epilepsy, nocturnal frontal lobe, 5; CILIARY DYSKINESIA, PRIMARY, 28, WITHOUT SITUS INVERSUS; CILIARY DYSKINESIA, PRIMARY, 28, WITH SITUS INVERSUS; KCNT1-Related Epilepsy. Identifiers: Orphanet 98784, MedGen C3554306, MONDO:0014002, OMIM 615005.
Developmental and epileptic encephalopathy, 14 (DEE14). Also called: Early infantile epileptic encephalopathy 14. Identifiers: Orphanet 293181, MedGen C3554195, MONDO:0013989, OMIM 614959.

Submission:

Labcorp Genetics (formerly Invitae), Labcorp
Classification: Uncertain significance for Autosomal dominant nocturnal frontal lobe epilepsy 5; Developmental and epileptic encephalopathy, 14. Last evaluated: 2018-05-19. Review status: criteria provided, single submitter. Criteria: Invitae Variant Classification Sherloc (09022015). Collection method: clinical testing. Allele origin: germline.
Comment: In summary, the available evidence is currently insufficient to determine the role of this variant in disease. Therefore, it has been classified as a Variant of Uncertain Significance. Algorithms developed to predict the effect of missense changes on protein structure and function (SIFT, PolyPhen-2, Align-GVGD) all suggest that this variant is likely to be tolerated, but these predictions have not been confirmed by published functional studies and their clinical significance is uncertain. This variant has not been reported in the literature in individuals with KCNT1-related disease. This variant is not present in population databases (ExAC no frequency). This sequence change replaces alanine with threonine at codon 1058 of the KCNT1 protein (p.Ala1058Thr). The alanine residue is moderately conserved and there is a small physicochemical difference between alanine and threonine.

NM_020822.3(KCNT1):c.3172G>A (p.Ala1058Thr)

Gene: KCNT1 (potassium sodium-activated channel subfamily T member 1; plus strand). Cytogenetic location: 9q34.3.
Variant type: single nucleotide variant.
Coding change: c.3172G>A on transcript NM_020822.3 (MANE Select); coding-DNA position 3172, G replaced by A.
Protein change: p.Ala1058Thr; replaces alanine 1058 with threonine.
Molecular consequence: missense variant.
Genome position (GRCh38, 1-based): chr9:135,785,325, G>A. VCF-style: chr9-135785325-G-A. GRCh37 (hg19) VCF-style: chr9-138677171-G-A.
Other names: c.3037G>A, p.Ala1013Thr (NM_001272003.2); short protein forms A1058T, A1013T.
Identifiers: ClinVar variation 568931 (VCV000568931.9), dbSNP rs1564392375, ClinGen allele CA375490712.